The following is an entry in ClinVar:

ClinVar aggregate classification (germline): Pathogenic. Review status: criteria provided, multiple submitters, no conflicts (2 of 4 stars). 5 submissions from 5 submitters: Pathogenic (5). Last evaluated 2026-04-14.

Conditions:
Familial intrahepatic cholestasis. Identifiers: Orphanet 284385, MedGen CN296401, MONDO:0017290.
Benign recurrent intrahepatic cholestasis type 2 (BRIC2). Also called: Recurrent familial intrahepatic cholestasis 2. Identifiers: Orphanet 65682, Orphanet 99961, MedGen C2608083, MONDO:0011559, OMIM 605479.

Submissions (5):

Genomenon, Inc
Classification: Pathogenic for Familial intrahepatic cholestasis. Last evaluated: 2026-04-14. Review status: criteria provided, single submitter. Criteria: Genomenon Sequence Variant Interpretation Standards - Updated. Collection method: curation. Allele origin: germline. Affected: yes.
Comment: ABCB11 p.Leu656AlafsTer9 (c.1966_1967del) is a frameshift variant that results in the production of a truncated protein which is predicted to undergo nonsense-mediated mRNA decay. This variant has been observed in at least one proband with an ABCB11-related disorder (PMID:41395309;39768432;36995996;35184362). The variant was found to segregate with disease in at least one affected family (PMID:39768432). It is absent or not present at a significant frequency in gnomAD. In conclusion, we classify ABCB11 p.Leu656AlafsTer9 (c.1966_1967del) as a pathogenic variant.

Labcorp Genetics (formerly Invitae), Labcorp
Classification: Pathogenic. Last evaluated: 2023-09-27. Review status: criteria provided, single submitter. Criteria: Invitae Variant Classification Sherloc (09022015). Collection method: clinical testing. Allele origin: germline.
Comment: For these reasons, this variant has been classified as Pathogenic. ClinVar contains an entry for this variant (Variation ID: 425233). This premature translational stop signal has been observed in individual(s) with clinical features of ABCB11-related condition (PMID: 29625052, 34016879). This variant is present in population databases (no rsID available, gnomAD 0.0009%). This sequence change creates a premature translational stop signal (p.Leu656Alafs*9) in the ABCB11 gene. It is expected to result in an absent or disrupted protein product. Loss-of-function variants in ABCB11 are known to be pathogenic (PMID: 18395098, 20232290).

Baylor Genetics
Classification: Pathogenic for Benign recurrent intrahepatic cholestasis type 2. Last evaluated: 2023-03-09. Review status: criteria provided, single submitter. Criteria: ACMG Guidelines, 2015. Collection method: clinical testing. Allele origin: unknown.

CeGaT Center for Human Genetics Tuebingen
Classification: Pathogenic. Last evaluated: 2021-01-01. Review status: criteria provided, single submitter. Criteria: CeGaT Center For Human Genetics Tuebingen Variant Classification Criteria Version 2. Collection method: clinical testing. Allele origin: germline. Affected: yes. Observed: 2 variant alleles.

Eurofins Ntd Llc (ga)
Classification: Pathogenic. Last evaluated: 2017-10-13. Review status: criteria provided, single submitter. Criteria: EGL Classification Definitions 2015. Collection method: clinical testing. Allele origin: germline. Observed: 1 variant allele, 1 heterozygote.

Literature cited by the submitters: PubMed 41395309 (cited by Genomenon, Inc); PubMed 39768432 (cited by Genomenon, Inc); PubMed 36995996 (cited by Genomenon, Inc); PubMed 35184362 (cited by Genomenon, Inc); PubMed 29625052 (cited by Labcorp Genetics (formerly Invitae), Labcorp); PubMed 34016879 (cited by Labcorp Genetics (formerly Invitae), Labcorp); PubMed 18395098 (cited by Labcorp Genetics (formerly Invitae), Labcorp); PubMed 20232290 (cited by Labcorp Genetics (formerly Invitae), Labcorp).

NM_003742.4(ABCB11):c.1966_1967del (p.Leu656fs)

Gene: ABCB11 (ATP binding cassette subfamily B member 11; minus strand). Cytogenetic location: 2q31.1.
Variant type: Deletion.
Coding change: c.1966_1967del on transcript NM_003742.4 (MANE Select); coding-DNA positions 1966 to 1967, 2 bases deleted (TT; older notation c.1966_1967delTT).
Protein change: p.Leu656fs; shifts the reading frame from leucine 656.
Molecular consequence: frameshift variant.
Genome position (GRCh38, 1-based): chr2:168,969,394-168,969,395, AA deleted on the plus strand (TT on the coding strand, the reverse complement: ABCB11 is on the minus strand); deleting any 2 consecutive bases within chr2:168,969,394-168,969,396 gives the same sequence; the c. name uses the placement nearest the transcript's 3' end. VCF-style (leftmost placement, unchanged base first): chr2-168969393-CAA-C. GRCh37 (hg19) VCF-style: chr2-169825903-CAA-C.
Other names: c.1966_1967del, p.Leu656fs (LRG_1199t1); short protein forms L656fs.
Identifiers: ClinVar variation 425233 (VCV000425233.52), dbSNP rs1064797270, ClinGen allele CA16621772.
Genomic context (GRCh38, chr2:168,969,393, plus strand): 5'-AGGGAAAAAGCACTTGCCCTTTATGTCCTCTTCATTAAGAGCTTGATTTCCCTGGCTTTG[CAA>C]AGTCACTAGAGTGAAGTAAACACCTTTCCTTTCCAGTAATTCTTCATGGGTCCCTCTTTC-3'